The following is an entry in ClinVar:

ClinVar aggregate classification (germline): Uncertain significance. Review status: criteria provided, single submitter (1 of 4 stars). 2 submissions from 2 submitters: Uncertain significance (1). 1 of the submissions does not count toward it. Last evaluated 2024-07-30.

Conditions:
LMBRD2-related disorder.
Inborn genetic diseases. Identifiers: MedGen C0950123, MeSH D030342.

gnomAD v4.1: 10 of 1,612,360 alleles (0.00062%); highest among the groups gnomAD compares: East Asian, 0.0045%; no homozygotes.

Submissions (2):

Ambry Genetics
Classification: Uncertain significance for Inborn genetic diseases. Last evaluated: 2024-07-30. Review status: criteria provided, single submitter. Criteria: Ambry Variant Classification Scheme 2023. Collection method: clinical testing. Allele origin: germline.

PreventionGenetics, part of Exact Sciences
Classification: Uncertain significance for LMBRD2-related condition. Last evaluated: 2024-06-05. Review status: no assertion criteria provided. Collection method: clinical testing. Allele origin: germline. Not counted in ClinVar's aggregate classification.
Comment: The LMBRD2 c.1942C>T variant is predicted to result in the amino acid substitution p.Arg648Trp. To our knowledge, this variant has not been reported in the literature. This variant is reported in 0.0054% of alleles in individuals of East Asian descent in gnomAD. At this time, the clinical significance of this variant is uncertain due to the absence of conclusive functional and genetic evidence.

NM_001007527.2(LMBRD2):c.1942C>T (p.Arg648Trp)

Gene: LMBRD2 (LMBR1 domain containing 2; minus strand). Cytogenetic location: 5p13.2.
Variant type: single nucleotide variant.
Coding change: c.1942C>T on transcript NM_001007527.2 (MANE Select); coding-DNA position 1942, C replaced by T.
Protein change: p.Arg648Trp; replaces arginine 648 with tryptophan.
Molecular consequence: missense variant.
Genome position (GRCh38, 1-based): chr5:36,105,153, G>A on the plus strand (C>T on the coding strand, the complement: LMBRD2 is on the minus strand). VCF-style: chr5-36105153-G-A. GRCh37 (hg19) VCF-style: chr5-36105255-G-A.
Other names: short protein forms R648W.
Identifiers: ClinVar variation 3355267 (VCV003355267.2).